The following is an entry in ClinVar:

NM_000391.4(TPP1):c.509-2A>T

Gene: TPP1 (tripeptidyl peptidase 1; minus strand). Cytogenetic location: 11p15.4.
Variant type: single nucleotide variant.
Coding change: c.509-2A>T on transcript NM_000391.4 (MANE Select); the canonical splice acceptor site of the intron before coding-DNA position 509, A replaced by T.
Molecular consequence: splice acceptor variant.
Genome position (GRCh38, 1-based): chr11:6,617,155, T>A on the plus strand (A>T on the coding strand, the complement: TPP1 is on the minus strand). VCF-style: chr11-6617155-T-A. GRCh37 (hg19) VCF-style: chr11-6638386-T-A.
Identifiers: ClinVar variation 4818300 (VCV004818300.1).

ClinVar aggregate classification (germline): Pathogenic (1 of 4 stars; one submission).

Conditions:
Neuronal ceroid lipofuscinosis 2. Also called: JANSKY-BIELSCHOWSKY DISEASE NEURONAL CEROID LIPOFUSCINOSIS, LATE INFANTILE; TPP1-Related Neuronal Ceroid-Lipofuscinosis. Identifiers: Orphanet 168491, Orphanet 228349, Orphanet 79264, MedGen C1876161, MONDO:0008769, OMIM 204500.

Submission:

Natera, Inc.
Classification: Pathogenic for Neuronal ceroid lipofuscinosis 2. Last evaluated: 2025-11-04. Review status: criteria provided, single submitter. Criteria: Natera Variant Classification Schema (03/2026). Collection method: clinical testing. Allele origin: germline.
Comment: The c.509-2A>T variant in TPP1 is a canonical splice acceptor site variant predicted to affect pre-mRNA splicing, which may result in an abnormal transcript and altered protein product. This variant is expected to result in nonsense mediated decay, truncation, or a dysfunctional protein product. This variant is rare in the general population with a frequency below the threshold expected for the associated phenotype(s). Another variant at this same site results in an alteration predicted to cause a similar molecular effect has been observed in individual(s) with the associated phenotype. Given the available evidence, this variant is classified as Pathogenic.